The following is an entry in ClinVar:

ClinVar aggregate classification (germline): Uncertain significance. Review status: criteria provided, multiple submitters, no conflicts (2 of 4 stars). 2 submissions from 2 submitters: Uncertain significance (2). Last evaluated 2024-11-18.

Conditions:
Baller-Gerold syndrome (BGS). Also called: CRANIOSYNOSTOSIS WITH RADIAL DEFECTS. Identifiers: Orphanet 1225, MedGen C0265308, MONDO:0009039, OMIM 218600.
Inborn genetic diseases. Identifiers: MedGen C0950123, MeSH D030342.

Allele frequency attached by ClinVar (database versions not stated): gnomAD exomes below 0.00001; gnomAD 0.00001; TOPMed 0.00001.
gnomAD v4.1: 2 of 1,612,598 alleles (0.00012%); highest among the groups gnomAD compares: African/African-American, 0.0027%; no homozygotes.

Submissions (2):

Ambry Genetics
Classification: Uncertain significance for Inborn genetic diseases. Last evaluated: 2024-11-18. Review status: criteria provided, single submitter. Criteria: Ambry Variant Classification Scheme 2023. Collection method: clinical testing. Allele origin: germline.
Comment: The p.Q408R variant (also known as c.1223A>G), located in coding exon 6 of the RECQL4 gene, results from an A to G substitution at nucleotide position 1223. The glutamine at codon 408 is replaced by arginine, an amino acid with highly similar properties. This amino acid position is conserved. In addition, this alteration is predicted to be tolerated by in silico analysis. Based on the available evidence, the clinical significance of this variant remains unclear.

Labcorp Genetics (formerly Invitae), Labcorp
Classification: Uncertain significance for Baller-Gerold syndrome. Last evaluated: 2022-12-17. Review status: criteria provided, single submitter. Criteria: Invitae Variant Classification Sherloc (09022015). Collection method: clinical testing. Allele origin: germline.
Comment: This sequence change replaces glutamine, which is neutral and polar, with arginine, which is basic and polar, at codon 408 of the RECQL4 protein (p.Gln408Arg). In summary, the available evidence is currently insufficient to determine the role of this variant in disease. Therefore, it has been classified as a Variant of Uncertain Significance. Algorithms developed to predict the effect of sequence changes on RNA splicing suggest that this variant may disrupt the consensus splice site. Advanced modeling of protein sequence and biophysical properties (such as structural, functional, and spatial information, amino acid conservation, physicochemical variation, residue mobility, and thermodynamic stability) performed at Invitae indicates that this missense variant is not expected to disrupt RECQL4 protein function. This variant has not been reported in the literature in individuals affected with RECQL4-related conditions. This variant is present in population databases (no rsID available, gnomAD 0.007%).

NM_004260.4(RECQL4):c.1223A>G (p.Gln408Arg)

Gene: RECQL4 (RecQ like helicase 4; minus strand). Cytogenetic location: 8q24.3.
Variant type: single nucleotide variant.
Coding change: c.1223A>G on transcript NM_004260.4 (MANE Select); coding-DNA position 1223, A replaced by G.
Protein change: p.Gln408Arg; replaces glutamine 408 with arginine.
Molecular consequence: missense variant. On other transcripts: synonymous variant (5), non-coding transcript variant (3), intron variant (1).
Genome position (GRCh38, 1-based): chr8:144,515,799, T>C on the plus strand (A>G on the coding strand, the complement: RECQL4 is on the minus strand). VCF-style: chr8-144515799-T-C. GRCh37 (hg19) VCF-style: chr8-145741183-T-C.
Other names: c.1223A>G (NM_004260.3); c.1127A>G, p.Gln376Arg (NM_001413017.1, NM_001413020.1); c.1223A>G, p.Gln408Arg (NM_001413018.1, NM_001413019.1, NM_001413033.1 and 2 more transcripts); c.152A>G, p.Gln51Arg (NM_001413021.1, NM_001413022.1, NM_001413023.1 and 8 more transcripts); c.1094A>G, p.Gln365Arg (NM_001413025.1); c.90A>G, p.Ala30= (NM_001413027.1, NM_001413030.1, NM_001413031.1 and 2 more transcripts); c.872A>G, p.Gln291Arg (NM_001413029.1); c.-210+189A>G (NM_001413043.1); short protein forms Q51R, Q291R, Q365R, Q376R, Q408R.
Identifiers: ClinVar variation 2821828 (VCV002821828.4), dbSNP rs1351075437, ClinGen allele CA372687398.